The following is an entry in ClinVar:

NM_017780.4(CHD7):c.778C>A (p.Pro260Thr)

Gene: CHD7 (chromodomain helicase DNA binding protein 7; plus strand). Cytogenetic location: 8q12.2.
Variant type: single nucleotide variant.
Coding change: c.778C>A on transcript NM_017780.4 (MANE Select); coding-DNA position 778, C replaced by A.
Protein change: p.Pro260Thr; replaces proline 260 with threonine.
Molecular consequence: missense variant.
Genome position (GRCh38, 1-based): chr8:60,742,210, C>A. VCF-style: chr8-60742210-C-A. GRCh37 (hg19) VCF-style: chr8-61654769-C-A.
Other names: c.778C>A, p.Pro260Thr (NM_001316690.1); short protein forms P260T.
Identifiers: ClinVar variation 2783408 (VCV002783408.3), dbSNP rs766382878, ClinGen allele CA371299369.

ClinVar aggregate classification (germline): Uncertain significance (1 of 4 stars; one submission).

Conditions:
CHARGE syndrome (CHARGE). Also called: Hittner Hirsch Kreh syndrome; CHARGE ASSOCIATION--COLOBOMA, HEART ANOMALY, CHOANAL ATRESIA, RETARDATION, GENITAL AND EAR ANOMALIES; Coloboma, heart anomaly, choanal atresia, retardation, genital and ear anomalies; CHARGE association; Hall-Hittner syndrome. Identifiers: Orphanet 138, MedGen C0265354, MONDO:0008965.

gnomAD v4.1: 3 of 1,613,896 alleles (0.00019%); highest among the groups gnomAD compares: South Asian, 0.0033%; no homozygotes.

Submission:

Labcorp Genetics (formerly Invitae), Labcorp
Classification: Uncertain significance for CHARGE syndrome. Last evaluated: 2022-11-24. Review status: criteria provided, single submitter. Criteria: Invitae Variant Classification Sherloc (09022015). Collection method: clinical testing. Allele origin: germline.
Comment: This sequence change replaces proline, which is neutral and non-polar, with threonine, which is neutral and polar, at codon 260 of the CHD7 protein (p.Pro260Thr). This variant is not present in population databases (gnomAD no frequency). This variant has not been reported in the literature in individuals affected with CHD7-related conditions. Advanced modeling of protein sequence and biophysical properties (such as structural, functional, and spatial information, amino acid conservation, physicochemical variation, residue mobility, and thermodynamic stability) performed at Invitae indicates that this missense variant is not expected to disrupt CHD7 protein function. In summary, the available evidence is currently insufficient to determine the role of this variant in disease. Therefore, it has been classified as a Variant of Uncertain Significance.